The following is an entry in ClinVar:

ClinVar aggregate classification (germline): Pathogenic/Likely pathogenic. Review status: criteria provided, multiple submitters, no conflicts (2 of 4 stars). 13 submissions from 12 submitters: Pathogenic (10); Likely pathogenic (1). 2 of the submissions do not count toward it. Last evaluated 2025-11-21.

Conditions:
Hereditary cancer-predisposing syndrome. Also called: Neoplastic Syndromes, Hereditary; Hereditary neoplastic syndrome; Tumor predisposition; Hereditary Cancer Syndrome. Identifiers: Orphanet 140162, MedGen C0027672, MeSH D009386, MONDO:0015356.
Hereditary breast ovarian cancer syndrome. Also called: BRCA1- and BRCA2-Associated Hereditary Breast and Ovarian Cancer; Hereditary breast and ovarian cancer syndrome; Hereditary breast and ovarian cancer syndrome (HBOC); Hereditary breast and ovarian cancer; Breast and ovarian cancer; Hereditary breast and/or ovarian cancer syndrome. Identifiers: Orphanet 145, MedGen C0677776, MeSH D061325, MONDO:0003582. Disease mechanism: loss of function.
Familial cancer of breast. Also called: BREAST CANCER, FAMILIAL; Hereditary breast cancer; hereditary breast carcinoma. Identifiers: Orphanet 227535, MedGen C0346153, MONDO:0016419, OMIM 114480. Disease mechanism: loss of function.
Basal cell carcinoma. Identifiers: MedGen C0007117, MeSH D002280, MONDO:0020804.
Generalized hypopigmentation. Identifiers: MedGen C1849923, HP:0007513.
Malignant tumor of breast. Also called: Malignant breast neoplasm; Cancer breast. Identifiers: MedGen C0006142, MONDO:0007254. Disease mechanism: loss of function.

Allele frequency attached by ClinVar (database versions not stated): gnomAD exomes below 0.00001.
gnomAD v4.1: 2 of 1,614,170 alleles (0.00012%); highest among the groups gnomAD compares: Non-Finnish European, 0.00017%; no homozygotes.

Submissions (13):

GeneDx
Classification: Pathogenic. Last evaluated: 2025-11-21. Review status: criteria provided, single submitter. Criteria: GeneDx Variant Classification Process June 2021. Collection method: clinical testing. Allele origin: germline.
Comment: Observed in individuals with a personal or family history consistent with pathogenic variants in this gene (PMID: 28423363, 28135048, 32339256, 32885271, 34299313); Nonsense variant predicted to result in protein truncation or nonsense mediated decay in a gene for which loss of function is a known mechanism of disease; Not observed at significant frequency in large population cohorts (gnomAD); Truncating variants in this gene are considered pathogenic by a well-established clinical consortium and/or database; This variant is associated with the following publications: (PMID: 28779002, 28423363, 28135048, 32339256, 32885271, 34299313, 32566746, 38914840, 38817905, 27878467, 33471991, 39696405, 39590369, 37511102, 35886069, 39096151, 34601666, 36113475)

Labcorp Genetics (formerly Invitae), Labcorp
Classification: Pathogenic for Familial cancer of breast. Last evaluated: 2025-11-15. Review status: criteria provided, single submitter. Criteria: Invitae Variant Classification Sherloc (09022015). Collection method: clinical testing. Allele origin: germline.
Comment: This sequence change creates a premature translational stop signal (p.Leu484*) in the PALB2 gene. It is expected to result in an absent or disrupted protein product. Loss-of-function variants in PALB2 are known to be pathogenic (PMID: 17200668, 17200671, 17200672, 24136930, 25099575). This variant is not present in population databases (gnomAD no frequency). This premature translational stop signal has been observed in individual(s) with breast cancer (PMID: 28135048, 28423363, 28779002). ClinVar contains an entry for this variant (Variation ID: 187412). For these reasons, this variant has been classified as Pathogenic.

Ambry Genetics
Classification: Pathogenic for Hereditary cancer-predisposing syndrome. Last evaluated: 2025-10-24. Review status: criteria provided, single submitter. Criteria: Ambry Variant Classification Scheme 2023. Collection method: clinical testing. Allele origin: germline.
Comment: The p.L484* pathogenic mutation (also known as c.1451T>A), located in coding exon 4 of the PALB2 gene, results from a T to A substitution at nucleotide position 1451. This changes the amino acid from a leucine to a stop codon within coding exon 4. This variant is considered to be rare based on population cohorts in the Genome Aggregation Database (gnomAD). This alteration is expected to result in loss of function by premature protein truncation or nonsense-mediated mRNA decay. As such, this alteration is interpreted as a disease-causing mutation.

Baylor Genetics
Classification: Pathogenic for Familial cancer of breast. Last evaluated: 2023-10-20. Review status: criteria provided, single submitter. Criteria: ACMG Guidelines, 2015. Collection method: clinical testing. Allele origin: unknown.

Myriad Genetics, Inc.
Classification: Pathogenic for Familial cancer of breast. Last evaluated: 2023-09-08. Review status: criteria provided, single submitter. Criteria: Myriad Autosomal Dominant, Autosomal Recessive and X-Linked Classification Criteria (2023). Collection method: clinical testing. Allele origin: unknown.
Comment: This variant is considered pathogenic. This variant creates a termination codon and is predicted to result in premature protein truncation.

Color Diagnostics, LLC DBA Color Health
Classification: Pathogenic for Hereditary cancer-predisposing syndrome. Last evaluated: 2022-12-13. Review status: criteria provided, single submitter. Criteria: ACMG Guidelines, 2015. Collection method: clinical testing. Allele origin: germline.
Comment: This variant changes 1 nucleotide in exon 4 of the PALB2 gene, creating a premature translation stop signal. This variant is expected to result in an absent or non-functional protein product. To our knowledge, functional studies have not been reported for this variant. This variant has been reported in at least three individuals affected with breast cancer (PMID: 27878467, 28779002, 32339256, 33471991; Leiden Open Variation Database DB-ID PALB2_011031). This variant has not been identified in the general population by the Genome Aggregation Database (gnomAD). Loss of PALB2 function is a known mechanism of disease. Based on the available evidence, this variant is classified as Pathogenic.

Centre for Mendelian Genomics, University Medical Centre Ljubljana
Classification: Pathogenic for Familial cancer of breast. Last evaluated: 2022-12-09. Review status: criteria provided, single submitter. Criteria: ACMG Guidelines, 2015. Collection method: research. Allele origin: germline. Affected: no.
Comment: PVS1, PS4_STR, PM2_SUP

Institute of Medical Genetics and Applied Genomics, University Hospital Tübingen
Classification: Pathogenic. Last evaluated: 2021-06-17. Review status: criteria provided, single submitter. Criteria: ACMG Guidelines, 2015. Collection method: clinical testing. Allele origin: germline. Inheritance: Autosomal dominant inheritance. Affected: yes.

Genetics and Molecular Pathology, SA Pathology
Classification: Pathogenic for Familial cancer of breast. Last evaluated: 2020-04-15. Review status: criteria provided, single submitter. Criteria: ACMG Guidelines, 2015. Collection method: clinical testing. Allele origin: germline. Inheritance: Autosomal dominant inheritance. Affected: yes.

Department of Molecular Diagnostics, Institute of Oncology Ljubljana
Classification: Pathogenic for Familial cancer of breast. Last evaluated: 2020-04-02. Review status: criteria provided, single submitter. Criteria: ACMG Guidelines, 2015. Collection method: clinical testing. Allele origin: germline. Affected: yes.

Women's Health and Genetics/Laboratory Corporation of America, LabCorp
Classification: Likely pathogenic for Hereditary breast ovarian cancer syndrome. Last evaluated: 2016-05-16. Review status: criteria provided, single submitter. Criteria: LabCorp Variant Classification Summary - May 2015. Collection method: clinical testing. Allele origin: germline.
Comment: Variant summary: The PALB2 c.1451T>A (p.Leu484X) variant results in a premature termination codon, predicted to cause a truncated or absent PALB2 protein due to nonsense mediated decay, which are commonly known mechanisms for disease. Truncations downstream of this position have been reported in breast cancer patients (HGMD: p.S524*, p.E545*, p.W906*, p.Y1183*, etc.), however this particular variant has not been cited in the literature. One in silico tool predicts a damaging outcome for this variant. This variant was absent in 121372 control chromosomes. In addition, one clinical diagnostic laboratory classified this variant as pathogenic. The variant of interest has not, to our knowledge, been reported in affected individuals via publications and/or reputable databases/clinical diagnostic laboratories; nor evaluated for functional impact by in vivo/vitro studies. Taken together, this variant is classified as likely pathogenic.

Centre for Mendelian Genomics, University Medical Centre Ljubljana
Classification: Pathogenic for Skin basal cell carcinoma; Generalized hypopigmentation. Last evaluated: 2016-03-09. Review status: no assertion criteria provided. Collection method: clinical testing. Allele origin: unknown. Affected: yes. Not counted in ClinVar's aggregate classification.

Department of Pathology and Laboratory Medicine, Sinai Health System
Classification: Pathogenic for Malignant tumor of breast. Review status: no assertion criteria provided. Collection method: clinical testing. Allele origin: unknown. Affected: yes. Study: The Canadian Open Genetics Repository (COGR). Not counted in ClinVar's aggregate classification.
Comment: The PALB2 p.Leu484* variant was not identified in the literature nor was it identified in the Cosmic, LOVD 3.0, or Zhejiang University Database. The variant was identified in dbSNP (ID: rs786203714) as "With Pathogenic allele" and ClinVar (classified as pathogenic by Ambry Genetics and one other clinical laboratory; and classified as likely pathogenic by Integrated Genetics/Laboratory Corporation of America). The variant was not identified in the following control databases: the Exome Aggregation Consortium (August 8th 2016) or the Genome Aggregation Database (Feb 27, 2017). The p.Leu484* variant leads to a premature stop codon at position 484, which is predicted to lead to a truncated or absent protein and loss of function. Loss of function variants of the PALB2 gene are an established mechanism of disease in PALB2-associated cancers and this is the type of variant expected to cause the disorder. In summary, based on the above information, this variant meets our laboratoryâ€šÃ„Ã´s criteria to be classified as pathogenic.

Literature cited by the submitters: PubMed 17200668 (cited by Labcorp Genetics (formerly Invitae), Labcorp); PubMed 17200671 (cited by Labcorp Genetics (formerly Invitae), Labcorp); PubMed 17200672 (cited by Labcorp Genetics (formerly Invitae), Labcorp); PubMed 24136930 (cited by Labcorp Genetics (formerly Invitae), Labcorp); PubMed 25099575 (cited by Labcorp Genetics (formerly Invitae), Labcorp); PubMed 28135048 (cited by Labcorp Genetics (formerly Invitae), Labcorp and Ambry Genetics); PubMed 28423363 (cited by Labcorp Genetics (formerly Invitae), Labcorp); PubMed 28779002 (cited by 3 submitters); PubMed 27878467 (cited by Ambry Genetics and Color Diagnostics, LLC DBA Color Health); PubMed 32339256 (cited by Ambry Genetics and Color Diagnostics, LLC DBA Color Health); PubMed 32566746 (cited by Ambry Genetics); PubMed 33471991 (cited by Color Diagnostics, LLC DBA Color Health).

NM_024675.4(PALB2):c.1451T>A (p.Leu484Ter)

Gene: PALB2 (partner and localizer of BRCA2; minus strand). Cytogenetic location: 16p12.2.
Variant type: single nucleotide variant.
Coding change: c.1451T>A on transcript NM_024675.4 (MANE Select); coding-DNA position 1451, T replaced by A.
Protein change: p.Leu484Ter; replaces leucine 484 with a stop codon.
Molecular consequence: nonsense.
Genome position (GRCh38, 1-based): chr16:23,635,095, A>T on the plus strand (T>A on the coding strand, the complement: PALB2 is on the minus strand). VCF-style: chr16-23635095-A-T. GRCh37 (hg19) VCF-style: chr16-23646416-A-T.
Other names: short protein forms L484*.
Identifiers: ClinVar variation 187412 (VCV000187412.28), dbSNP rs786203714, ClinGen allele CA197580.